The following is an entry in ClinVar:

NM_020549.5(CHAT):c.712C>G (p.Leu238Val)

Gene: CHAT (choline O-acetyltransferase; plus strand). Cytogenetic location: 10q11.23.
Variant type: single nucleotide variant.
Coding change: c.712C>G on transcript NM_020549.5 (MANE Select); coding-DNA position 712, C replaced by G.
Protein change: p.Leu238Val; replaces leucine 238 with valine.
Molecular consequence: missense variant.
Genome position (GRCh38, 1-based): chr10:49,622,110, C>G. VCF-style: chr10-49622110-C-G. GRCh37 (hg19) VCF-style: chr10-50830156-C-G.
Other names: c.358C>G, p.Leu120Val (NM_001142929.2, NM_001142934.2, NM_020984.4 and 2 more transcripts); c.466C>G, p.Leu156Val (NM_001142933.2); c.712C>G (NM_020549.4); short protein forms L120V, L238V, L156V.
Identifiers: ClinVar variation 2146781 (VCV002146781.2), dbSNP rs375606885, ClinGen allele CA5497242.

ClinVar aggregate classification (germline): Uncertain significance. Review status: criteria provided, multiple submitters, no conflicts (2 of 4 stars). 2 submissions from 2 submitters: Uncertain significance (2). Last evaluated 2025-06-09.

Conditions:
Familial infantile myasthenia (CMS6). Also called: Congenital myasthenic syndrome type 6; MYASTHENIC SYNDROME, PRESYNAPTIC, CONGENITAL, ASSOCIATED WITH EPISODIC APNEA; MYASTHENIC SYNDROME, CONGENITAL, 6, PRESYNAPTIC. Identifiers: Orphanet 590, MedGen C0393929, MONDO:0009689, OMIM 254210.
Inborn genetic diseases. Identifiers: MedGen C0950123, MeSH D030342.

Allele frequency attached by ClinVar (database versions not stated): ExAC 0.00001; gnomAD exomes 0.00001; ESP Exome Variant Server 0.00008; gnomAD 0.00015.
gnomAD v4.1: 20 of 1,232,796 alleles (0.0016%); highest among the groups gnomAD compares: African/African-American, 0.044%; no homozygotes.

Submissions (2):

Ambry Genetics
Classification: Uncertain significance for Inborn genetic diseases. Last evaluated: 2025-06-09. Review status: criteria provided, single submitter. Criteria: Ambry Variant Classification Scheme 2023. Collection method: clinical testing. Allele origin: germline.

Labcorp Genetics (formerly Invitae), Labcorp
Classification: Uncertain significance for Familial infantile myasthenia. Last evaluated: 2022-08-08. Review status: criteria provided, single submitter. Criteria: Invitae Variant Classification Sherloc (09022015). Collection method: clinical testing. Allele origin: germline.
Comment: This sequence change replaces leucine, which is neutral and non-polar, with valine, which is neutral and non-polar, at codon 238 of the CHAT protein (p.Leu238Val). This variant is present in population databases (rs375606885, gnomAD 0.01%). This variant has not been reported in the literature in individuals affected with CHAT-related conditions. Advanced modeling of protein sequence and biophysical properties (such as structural, functional, and spatial information, amino acid conservation, physicochemical variation, residue mobility, and thermodynamic stability) performed at Invitae indicates that this missense variant is not expected to disrupt CHAT protein function. In summary, the available evidence is currently insufficient to determine the role of this variant in disease. Therefore, it has been classified as a Variant of Uncertain Significance.